The following is an entry in ClinVar:

NM_001379081.2(FREM1):c.5686C>T (p.Pro1896Ser)

Gene: FREM1 (FRAS1 related extracellular matrix 1; minus strand). Cytogenetic location: 9p22.3.
Variant type: single nucleotide variant.
Coding change: c.5686C>T on transcript NM_001379081.2 (MANE Select); coding-DNA position 5686, C replaced by T.
Protein change: p.Pro1896Ser; replaces proline 1896 with serine.
Molecular consequence: missense variant. On other transcripts: non-coding transcript variant (3).
Genome position (GRCh38, 1-based): chr9:14,748,511, G>A on the plus strand (C>T on the coding strand, the complement: FREM1 is on the minus strand). VCF-style: chr9-14748511-G-A. GRCh37 (hg19) VCF-style: chr9-14748509-G-A.
Other names: c.1294C>T, p.Pro432Ser (NM_001177704.3, NM_001370061.2); c.1144C>T, p.Pro382Ser (NM_001370058.2); c.5686C>T, p.Pro1896Ser (NM_144966.7); short protein forms P432S, P1896S, P382S.
Identifiers: ClinVar variation 3678056 (VCV003678056.1).

ClinVar aggregate classification (germline): Uncertain significance (1 of 4 stars; one submission).

gnomAD v4.1: 11 of 1,613,446 alleles (0.00068%); highest among the groups gnomAD compares: Non-Finnish European, 0.00093%; no homozygotes.

Submission:

Labcorp Genetics (formerly Invitae), Labcorp
Classification: Uncertain significance. Last evaluated: 2024-11-01. Review status: criteria provided, single submitter. Criteria: Invitae Variant Classification Sherloc (09022015). Collection method: clinical testing. Allele origin: germline.
Comment: This sequence change replaces proline, which is neutral and non-polar, with serine, which is neutral and polar, at codon 1896 of the FREM1 protein (p.Pro1896Ser). This variant is present in population databases (no rsID available, gnomAD 0.0009%). This variant has not been reported in the literature in individuals affected with FREM1-related conditions. An algorithm developed to predict the effect of missense changes on protein structure and function (PolyPhen-2) suggests that this variant¬†is likely to be tolerated. In summary, the available evidence is currently insufficient to determine the role of this variant in disease. Therefore, it has been classified as a Variant of Uncertain Significance.